The following is an entry in ClinVar:

NM_001329943.3(KIAA0586):c.1884+1G>T

Gene: KIAA0586 (KIAA0586; plus strand). Cytogenetic location: 14q23.1.
Variant type: single nucleotide variant.
Coding change: c.1884+1G>T on transcript NM_001329943.3 (MANE Select); the canonical splice donor site of the intron after coding-DNA position 1884, G replaced by T.
Molecular consequence: splice donor variant. On other transcripts: intron variant (1).
Genome position (GRCh38, 1-based): chr14:58,460,071, G>T. VCF-style: chr14-58460071-G-T. GRCh37 (hg19) VCF-style: chr14-58926789-G-T.
Other names: c.2043+1G>T (NM_001244189.2); c.1839+1G>T (NM_001244190.2); c.1752+1G>T (NM_001244192.2); c.1629+1G>T (NM_001244191.2, NM_001364701.2, NM_001329945.2 and 1 more transcripts); c.1884+1G>T (NM_001329944.2, NM_001329946.2, NM_001329947.2); c.1657-915G>T (NM_014749.5); c.1464+1G>T (NM_001244193.2).
Identifiers: ClinVar variation 2178589 (VCV002178589.4), dbSNP rs1238313349, ClinGen allele CA389871981.

ClinVar aggregate classification (germline): Likely pathogenic (1 of 4 stars; one submission).

Conditions:
Short-rib thoracic dysplasia 14 with polydactyly (SRTD14). Identifiers: Orphanet 397715, MedGen C4225286, MONDO:0014688, OMIM 616546.
Joubert syndrome 23 (JBTS23). Identifiers: Orphanet 475, MedGen C4084822, MONDO:0014664, OMIM 616490.

Allele frequency attached by ClinVar (database versions not stated): TOPMed below 0.00001.
gnomAD v4.1: 3 of 1,435,838 alleles (0.00021%); highest among the groups gnomAD compares: Non-Finnish European, 0.00028%; no homozygotes.

Submission:

Labcorp Genetics (formerly Invitae), Labcorp
Classification: Likely pathogenic for Joubert syndrome 23; Short-rib thoracic dysplasia 14 with polydactyly. Last evaluated: 2022-09-07. Review status: criteria provided, single submitter. Criteria: Invitae Variant Classification Sherloc (09022015). Collection method: clinical testing. Allele origin: germline.
Comment: In summary, the currently available evidence indicates that the variant is pathogenic, but additional data are needed to prove that conclusively. Therefore, this variant has been classified as Likely Pathogenic. Algorithms developed to predict the effect of sequence changes on RNA splicing suggest that this variant may disrupt the consensus splice site. This variant has not been reported in the literature in individuals affected with KIAA0586-related conditions. This variant is not present in population databases (gnomAD no frequency). This sequence change affects a donor splice site in intron 15 of the KIAA0586 gene. It is expected to disrupt RNA splicing. Variants that disrupt the donor or acceptor splice site typically lead to a loss of protein function (PMID: 16199547), and loss-of-function variants in KIAA0586 are known to be pathogenic (PMID: 26096313, 26166481, 26386044).

Literature cited by the submitters: PubMed 16199547; PubMed 26096313; PubMed 26166481; PubMed 26386044.